The following is an entry in ClinVar:

NM_001876.4(CPT1A):c.1406_1407del (p.Leu469fs)

Gene: CPT1A (carnitine palmitoyltransferase 1A; minus strand). Cytogenetic location: 11q13.3.
Variant type: Deletion.
Coding change: c.1406_1407del on transcript NM_001876.4 (MANE Select); coding-DNA positions 1406 to 1407, 2 bases deleted (TC; older notation c.1406_1407delTC).
Protein change: p.Leu469fs; shifts the reading frame from leucine 469.
Molecular consequence: frameshift variant.
Genome position (GRCh38, 1-based): chr11:68,780,691-68,780,692, GA deleted on the plus strand (TC on the coding strand, the reverse complement: CPT1A is on the minus strand); deleting any 2 consecutive bases within chr11:68,780,691-68,780,693 gives the same sequence; the c. name uses the placement nearest the transcript's 3' end. VCF-style (leftmost placement, unchanged base first): chr11-68780690-TGA-T. GRCh37 (hg19) VCF-style: chr11-68548158-TGA-T.
Other names: c.1406_1407del, p.Leu469fs (NM_001031847.3); short protein forms L469fs.
Identifiers: ClinVar variation 1726326 (VCV001726326.2), dbSNP rs2495573807, ClinGen allele CA2580084737.

ClinVar aggregate classification (germline): Likely pathogenic (1 of 4 stars; one submission).

Conditions:
Carnitine palmitoyl transferase 1A deficiency. Also called: CPT I DEFICIENCY; CPT DEFICIENCY, HEPATIC, TYPE I; Carnitine palmitoyltransferase type I deficiency; CPT deficiency, hepatic, type IA; Carnitine palmitoyltransferase 1A deficiency. Identifiers: Orphanet 156, MedGen C1829703, MONDO:0009705, OMIM 255120.

Submission:

Myriad Genetics, Inc.
Classification: Likely pathogenic for Carnitine palmitoyl transferase 1A deficiency. Last evaluated: 2021-12-16. Review status: criteria provided, single submitter. Criteria: Myriad Women's Health Autosomal Recessive and X-Linked Classification Criteria (2021). Collection method: clinical testing. Allele origin: unknown.
Comment: NM_001876.3(CPT1A):c.1406_1407delTC(L469Qfs*3) is expected to be pathogenic in the context of carnitine palmitoyltransferase IA deficiency. This variant is predicted to lead to an abnormal or absent protein product due to the creation of a premature termination codon in CPT1A, a gene where loss-of-function variants are known to be pathogenic. Please note: this variant was assessed in the context of healthy population screening.